The following is an entry in ClinVar:

NM_016203.4(PRKAG2):c.1639C>G (p.Leu547Val)

Gene: PRKAG2 (protein kinase AMP-activated non-catalytic subunit gamma 2; minus strand). Cytogenetic location: 7q36.1.
Variant type: single nucleotide variant.
Coding change: c.1639C>G on transcript NM_016203.4 (MANE Select); coding-DNA position 1639, C replaced by G.
Protein change: p.Leu547Val; replaces leucine 547 with valine.
Molecular consequence: missense variant.
Genome position (GRCh38, 1-based): chr7:151,560,563, G>C on the plus strand (C>G on the coding strand, the complement: PRKAG2 is on the minus strand). VCF-style: chr7-151560563-G-C. GRCh37 (hg19) VCF-style: chr7-151257649-G-C.
Other names: c.1507C>G, p.Leu503Val (NM_001040633.2, NM_001407024.1); c.1264C>G, p.Leu422Val (NM_001304527.2, NM_001407029.1); c.916C>G, p.Leu306Val (NM_001304531.2, NM_001407034.1, NM_001407035.1 and 1 more transcripts); c.1267C>G, p.Leu423Val (NM_001363698.2, NM_001407028.1); c.1639C>G, p.Leu547Val (NM_001407021.1); c.1636C>G, p.Leu546Val (NM_001407022.1, NM_001407023.1); c.1504C>G, p.Leu502Val (NM_001407026.1, NM_001407027.1); c.1351C>G, p.Leu451Val (NM_001407030.1); and 6 more; short protein forms L441V, L451V, L306V, L439V, L305V, L322V, L326V, L422V.
Identifiers: ClinVar variation 2126244 (VCV002126244.5), dbSNP rs751478382, ClinGen allele CA370070304.

ClinVar aggregate classification (germline): Uncertain significance. Review status: criteria provided, multiple submitters, no conflicts (2 of 4 stars). 2 submissions from 2 submitters: Uncertain significance (2). Last evaluated 2022-11-01.

Conditions:
Lethal congenital glycogen storage disease of heart. Also called: GLYCOGEN STORAGE DISEASE OF HEART; PHOSPHORYLASE KINASE DEFICIENCY OF HEART. Identifiers: Orphanet 439854, MedGen C1849813, MONDO:0009867, OMIM 261740.

Submissions (2):

Labcorp Genetics (formerly Invitae), Labcorp
Classification: Uncertain significance for Lethal congenital glycogen storage disease of heart. Last evaluated: 2022-11-01. Review status: criteria provided, single submitter. Criteria: Invitae Variant Classification Sherloc (09022015). Collection method: clinical testing. Allele origin: germline.
Comment: This sequence change replaces leucine, which is neutral and non-polar, with valine, which is neutral and non-polar, at codon 547 of the PRKAG2 protein (p.Leu547Val). This variant is not present in population databases (gnomAD no frequency). This variant has not been reported in the literature in individuals affected with PRKAG2-related conditions. Algorithms developed to predict the effect of missense changes on protein structure and function (SIFT, PolyPhen-2, Align-GVGD) all suggest that this variant is likely to be disruptive. In summary, the available evidence is currently insufficient to determine the role of this variant in disease. Therefore, it has been classified as a Variant of Uncertain Significance.

Blueprint Genetics
Classification: Uncertain significance. Last evaluated: 2022-04-27. Review status: criteria provided, single submitter. Criteria: ACMG Guidelines, 2015. Collection method: clinical testing. Allele origin: germline.